The following is an entry in ClinVar:

NM_177438.3(DICER1):c.5515C>T (p.Arg1839Trp)

Gene: DICER1 (dicer 1, ribonuclease III; minus strand). Cytogenetic location: 14q32.13.
Variant type: single nucleotide variant.
Coding change: c.5515C>T on transcript NM_177438.3 (MANE Select); coding-DNA position 5515, C replaced by T.
Protein change: p.Arg1839Trp; replaces arginine 1839 with tryptophan.
Molecular consequence: missense variant. On other transcripts: intron variant (1).
Genome position (GRCh38, 1-based): chr14:95,091,215, G>A on the plus strand (C>T on the coding strand, the complement: DICER1 is on the minus strand). VCF-style: chr14-95091215-G-A. GRCh37 (hg19) VCF-style: chr14-95557552-G-A.
Other names: NM_177438.3(DICER1):c.5515C>T; p.Arg1839Trp; c.5515C>T, p.Arg1839Trp (NM_001271282.3, NM_001291628.2, NM_030621.4); c.5365-106C>T (NM_001195573.1); short protein forms R1839W.
Identifiers: ClinVar variation 479634 (VCV000479634.19), dbSNP rs1447120867, ClinGen allele CA390864480.

ClinVar aggregate classification (germline): Uncertain significance. Review status: reviewed by expert panel (3 of 4 stars). 5 submissions from 5 submitters: Uncertain significance (1). 4 of the submissions do not count toward it. Last evaluated 2025-06-24.

Conditions:
DICER1-related tumor predisposition. Also called: DICER1-related pleuropulmonary blastoma cancer predisposition syndrome; DICER1 syndrome. Identifiers: Orphanet 284343, MedGen C3839822, MONDO:0100216.
Hereditary cancer-predisposing syndrome. Also called: Tumor predisposition; Neoplastic Syndromes, Hereditary; Hereditary Cancer Syndrome; Hereditary neoplastic syndrome. Identifiers: Orphanet 140162, MedGen C0027672, MeSH D009386, MONDO:0015356.

Allele frequency attached by ClinVar (database versions not stated): gnomAD 0.00001 and 0.00002; gnomAD exomes 0.00001; TOPMed 0.00002.
gnomAD v4.1: 22 of 1,613,858 alleles (0.0014%); highest among the groups gnomAD compares: Admixed American, 0.0033%; no homozygotes.

Submissions (5):

ClinGen DICER1 and miRNA-Processing Gene Variant Curation Expert Panel, ClinGen
Classification: Uncertain significance for DICER1-related tumor predisposition. Last evaluated: 2025-06-24. Review status: reviewed by expert panel. Criteria: ClinGen DICER1 ACMG Specifications DICER1 V1.3.0. Collection method: curation. Allele origin: germline. Inheritance: Autosomal dominant inheritance.
Comment: The NM_177438.3:c.5515C>T variant in DICER1 is a missense variant predicted to cause substitution of arginine by tryptophan at amino acid 1839 (p.Arg1839Trp). This variant has been seen in 10 or more unrelated females without tumors through age 50 in at least one testing laboratory (BS2_Supporting; Internal lab contributors). The total allele frequency in gnomAD v4.1.0 is 0.00001363 (22/1613858 alleles) with a highest population minor allele frequency of 0.00006402 (4/62482 alleles) in a population of unknown ancestry (PM2_Supporting, BS1, and BA1 are not met). In silico tools predict no damaging impact of the variant on protein function (REVEL: 0.398; MaxEntScan and SpliceAI: no effect on splicing) (BP4). This variant resides within the RNase IIIb domain (PM1_Supporting; PMID: 31342592). Due to conflicting evidence, this variant is classified as Uncertain Significance for DICER1-related tumor predisposition based on the ACMG/AMP criteria applied, as specified by the ClinGen DICER1 VCEP: BS2_Supporting, BP4, PM1_Supporting. (Bayesian Points: -1; VCEP specifications version 1.3.0; 06/24/2025)

Ambry Genetics
Classification: Uncertain significance for Hereditary cancer-predisposing syndrome. Last evaluated: 2025-06-02. Review status: criteria provided, single submitter. Criteria: Ambry Variant Classification Scheme 2023. Collection method: clinical testing. Allele origin: germline. Not counted in ClinVar's aggregate classification.
Comment: The p.R1839W variant (also known as c.5515C>T), located in coding exon 24 of the DICER1 gene, results from a C to T substitution at nucleotide position 5515. The arginine at codon 1839 is replaced by tryptophan, an amino acid with dissimilar properties. This amino acid position is well conserved in available vertebrate species. In addition, the in silico prediction for this alteration is inconclusive. Since supporting evidence is limited at this time, the clinical significance of this alteration remains unclear.

Labcorp Genetics (formerly Invitae), Labcorp
Classification: Uncertain significance for DICER1-related tumor predisposition. Last evaluated: 2024-11-25. Review status: criteria provided, single submitter. Criteria: Invitae Variant Classification Sherloc (09022015). Collection method: clinical testing. Allele origin: germline. Not counted in ClinVar's aggregate classification.
Comment: This sequence change replaces arginine, which is basic and polar, with tryptophan, which is neutral and slightly polar, at codon 1839 of the DICER1 protein (p.Arg1839Trp). This variant is present in population databases (no rsID available, gnomAD 0.003%). This variant has not been reported in the literature in individuals affected with DICER1-related conditions. ClinVar contains an entry for this variant (Variation ID: 479634). Invitae Evidence Modeling of protein sequence and biophysical properties (such as structural, functional, and spatial information, amino acid conservation, physicochemical variation, residue mobility, and thermodynamic stability) indicates that this missense variant is not expected to disrupt DICER1 protein function with a negative predictive value of 95%. Algorithms developed to predict the effect of sequence changes on RNA splicing suggest that this variant may disrupt the consensus splice site. In summary, the available evidence is currently insufficient to determine the role of this variant in disease. Therefore, it has been classified as a Variant of Uncertain Significance.

Quest Diagnostics Nichols Institute San Juan Capistrano
Classification: Uncertain significance. Last evaluated: 2023-09-08. Review status: criteria provided, single submitter. Criteria: Quest Diagnostics criteria. Collection method: clinical testing. Allele origin: unknown. Not counted in ClinVar's aggregate classification.
Comment: This variant has not been reported in individuals with DICER1-related conditions in the published literature. The frequency of this variant in the general population, 0.000008 (2/251372 chromosomes (Genome Aggregation Database)), is uninformative in the assessment of its pathogenicity. Analysis of this variant using bioinformatics tools for the prediction of the effect of amino acid changes on protein structure and function yielded predictions that this variant is benign. Based on the available information, we are unable to determine the clinical significance of this variant.

Sema4
Classification: Uncertain significance for Hereditary cancer-predisposing syndrome. Last evaluated: 2022-02-07. Review status: criteria provided, single submitter. Criteria: Sema4 Curation Guidelines. Collection method: curation. Allele origin: germline. Not counted in ClinVar's aggregate classification.
Comment: To the best of our knowledge, the DICER1 c.5515C>T (p.R1839W) variant has not been reported in individuals with DICER1-related disease. It was observed in 1/34592 chromosomes of the Latino subpopulation in the large and broad cohorts of the Genome Aggregation Database (PMID: 32461654). This variant has been reported in ClinVar (Variation ID 479634). Functional studies have not been performed, and in silico predictions of the variant's effect on protein function are inconclusive. The evidence is insufficient to meet ACMG/AMP criteria for classifying the variant as benign or pathogenic. Thus, the clinical significance of this variant is currently uncertain.